The following is an entry in ClinVar:

ClinVar aggregate classification (germline): Uncertain significance (1 of 4 stars; one submission).

Conditions:
Multiple congenital exostosis (EXT). Also called: Hereditary multiple osteochondromas; Multiple osteochondromas; MULTIPLE CARTILAGINOUS EXOSTOSES; Multiple exostoses; Hereditary multiple exostoses; Hereditary multiple exostosis. Identifiers: Orphanet 321, MedGen C0015306, MONDO:0005508, HP:0002762.

Allele frequency attached by ClinVar (database versions not stated): TOPMed below 0.00001.

Submission:

Labcorp Genetics (formerly Invitae), Labcorp
Classification: Uncertain significance for Multiple congenital exostosis. Last evaluated: 2024-10-08. Review status: criteria provided, single submitter. Criteria: Invitae Variant Classification Sherloc (09022015). Collection method: clinical testing. Allele origin: germline.
Comment: This sequence change falls in intron 1 of the EXT1 gene. It does not directly change the encoded amino acid sequence of the EXT1 protein. It affects a nucleotide within the consensus splice site. This variant is not present in population databases (gnomAD no frequency). This variant has been observed in individual(s) with hereditary multiple osteochondromas (internal data). Variants that disrupt the consensus splice site are a relatively common cause of aberrant splicing (PMID: 17576681, 9536098). Algorithms developed to predict the effect of sequence changes on RNA splicing suggest that this variant may disrupt the consensus splice site. In summary, the available evidence is currently insufficient to determine the role of this variant in disease. Therefore, it has been classified as a Variant of Uncertain Significance.

Literature cited by the submitters: PubMed 17576681; PubMed 9536098.

NM_000127.3(EXT1):c.962+5G>C

Gene: EXT1 (exostosin glycosyltransferase 1; minus strand). Cytogenetic location: 8q24.11.
Variant type: single nucleotide variant.
Coding change: c.962+5G>C on transcript NM_000127.3 (MANE Select); 5 bases into the intron after coding-DNA position 962, G replaced by C.
Molecular consequence: intron variant.
Genome position (GRCh38, 1-based): chr8:118,110,080, C>G on the plus strand (G>C on the coding strand, the complement: EXT1 is on the minus strand). VCF-style: chr8-118110080-C-G. GRCh37 (hg19) VCF-style: chr8-119122319-C-G.
Identifiers: ClinVar variation 2796235 (VCV002796235.3), dbSNP rs1817866717, ClinGen allele CA1814088318.